The following is an entry in ClinVar:

NM_005334.3(HCFC1):c.-25C>G

Gene: HCFC1 (host cell factor C1; minus strand). Cytogenetic location: Xq28.
Variant type: single nucleotide variant.
Coding change: c.-25C>G on transcript NM_005334.3 (MANE Select); 25 bases upstream of the start codon, C replaced by G.
Molecular consequence: 5 prime UTR variant.
Genome position (GRCh38, 1-based): chrX:153,970,865, G>C on the plus strand (C>G on the coding strand, the complement: HCFC1 is on the minus strand). VCF-style: chrX-153970865-G-C. GRCh37 (hg19) VCF-style: chrX-153236316-G-C.
Identifiers: ClinVar variation 510542 (VCV000510542.1), dbSNP rs781965630, ClinGen allele CA10557753.
Genomic context (GRCh38, chrX:153,970,865, plus strand): 5'-CGCTGGCAAGTTGGCGGGCGACACGGCCGAAGCCATAGTTCCGGGAAAGGGTGCGGTGGG[G>C]AGAAGTCAACAAGCGGGAAGGGAGCCCCTCAATTCCTTTCACACACCCCCTTTCGTCTAA-3'

ClinVar aggregate classification (germline): Likely benign (1 of 4 stars; one submission).

Allele frequency attached by ClinVar (database versions not stated): gnomAD exomes 0.00001; gnomAD 0.00002; TOPMed 0.00003 and 0.00006; ExAC below 0.00001.
gnomAD v4.1: 8 of 1,122,276 alleles (0.00071%); highest among the groups gnomAD compares: Admixed American, 0.0034%; no homozygotes.

Submission:

GeneDx
Classification: Likely benign. Last evaluated: 2017-07-06. Review status: criteria provided, single submitter. Criteria: GeneDx Variant Classification (06012015). Collection method: clinical testing. Allele origin: germline. Affected: yes.
Comment: This variant is considered likely benign or benign based on one or more of the following criteria: it is a conservative change, it occurs at a poorly conserved position in the protein, it is predicted to be benign by multiple in silico algorithms, and/or has population frequency not consistent with disease.